The following is an entry in ClinVar:

NM_033305.3(VPS13A):c.269dup (p.Val91fs)

Gene: VPS13A (vacuolar protein sorting 13 homolog A; plus strand). Cytogenetic location: 9q21.2.
Variant type: Duplication.
Coding change: c.269dup on transcript NM_033305.3 (MANE Select); coding-DNA position 269, one base duplicated (T; older notation c.269dupT).
Protein change: p.Val91fs; shifts the reading frame from valine 91.
Molecular consequence: frameshift variant.
Genome position (GRCh38, 1-based): chr9:77,205,394, T duplicated. VCF-style (leftmost placement, unchanged base first): chr9-77205393-A-AT. GRCh37 (hg19) VCF-style: chr9-79820309-A-AT.
Other names: c.269dup, p.Val91fs (NM_001018037.2, NM_001018038.3, NM_015186.4); short protein forms V91fs.
Identifiers: ClinVar variation 5012574 (VCV005012574.1).

ClinVar aggregate classification (germline): Pathogenic (1 of 4 stars; one submission).

Conditions:
VPS13A-related neurodegenerative disease. Also called: ACANTHOCYTOSIS WITH NEUROLOGIC DISORDER; LEVINE-CRITCHLEY SYNDROME; Choreoacanthocytosis; Chorea-acanthocytosis; Choreaacanthocytosis; VPS13A Disease. Identifiers: Orphanet 2388, MedGen C0393576, MONDO:0008695, OMIM 200150.

Submission:

Myriad Genetics, Inc.
Classification: Pathogenic for VPS13A-related neurodegenerative disease. Last evaluated: 2023-12-14. Review status: criteria provided, single submitter. Criteria: Myriad Autosomal Dominant, Autosomal Recessive and X-Linked Classification Criteria (2023). Collection method: clinical testing. Allele origin: unknown.
Comment: NM_033305.2(VPS13A):c.269dupT(V91Sfs*5) is expected to be pathogenic in the context of VPS13A disease. This variant is predicted to lead to an abnormal or absent protein product due to the creation of a premature termination codon in VPS13A, a gene where loss-of-function variants are known to be pathogenic. Please note: this variant was assessed in the context of healthy population screening.